The following is an entry in ClinVar:

ClinVar aggregate classification (germline): Uncertain significance (1 of 4 stars; one submission).

Submission:

GeneDx
Classification: Uncertain significance. Last evaluated: 2026-02-12. Review status: criteria provided, single submitter. Criteria: GeneDx Variant Classification Process June 2021. Collection method: clinical testing. Allele origin: germline.
Comment: Not observed at significant frequency in large population cohorts (gnomAD); In silico analysis supports that this missense variant has a deleterious effect on protein structure/function; Has not been previously published as pathogenic or benign to our knowledge

NM_182931.3(KMT2E):c.379C>G (p.His127Asp)

Gene: KMT2E (lysine methyltransferase 2E (inactive); plus strand). Cytogenetic location: 7q22.3.
Variant type: single nucleotide variant.
Coding change: c.379C>G on transcript NM_182931.3 (MANE Select); coding-DNA position 379, C replaced by G.
Protein change: p.His127Asp; replaces histidine 127 with aspartic acid.
Molecular consequence: missense variant.
Genome position (GRCh38, 1-based): chr7:105,063,543, C>G. VCF-style: chr7-105063543-C-G. GRCh37 (hg19) VCF-style: chr7-104703990-C-G.
Other names: c.379C>G, p.His127Asp (NM_001410908.1, NM_018682.4); short protein forms H127D.
Identifiers: ClinVar variation 3360055 (VCV003360055.2).